The following is an entry in ClinVar:

NM_005378.6(MYCN):c.237G>A (p.Thr79=)

Genes: MYCN (MYCN proto-oncogene, bHLH transcription factor; plus strand), MYCNOS (MYCN opposite strand; minus strand). Cytogenetic location: 2p24.3.
Variant type: single nucleotide variant.
Coding change: c.237G>A on transcript NM_005378.6 (MANE Select); coding-DNA position 237, G replaced by A.
Protein change: p.Thr79=; no amino-acid change (threonine 79 retained).
Molecular consequence: synonymous variant. On other transcripts: non-coding transcript variant (1), 3 prime UTR variant (1), intron variant (1).
Genome position (GRCh38, 1-based): chr2:15,942,301, G>A. VCF-style: chr2-15942301-G-A. GRCh37 (hg19) VCF-style: chr2-16082423-G-A.
Other names: c.237G>A, p.Thr79= (NM_001293228.2); c.*172G>A (NM_001293233.2); c.157+1558G>A (NM_001293231.2).
Identifiers: ClinVar variation 4822214 (VCV004822214.4).
Genomic context (GRCh38, chr2:15,942,301, plus strand): 5'-CCCGCTGTCGCCCAGCCGTGGCTTCGCGGAGCACAGCTCCGAGCCCCCGAGCTGGGTCAC[G>A]GAGATGCTGCTTGAGAACGAGCTGTGGGGCAGCCCGGCCGAGGAGGACGCGTTCGGCCTG-3'
Protein context (NP_005369.2, residues 69-89): EHSSEPPSWV[Thr79=]EMLLENELWG

ClinVar aggregate classification (germline): Likely benign (1 of 4 stars; one submission).

Submission:

CeGaT Center for Human Genetics Tuebingen
Classification: Likely benign. Last evaluated: 2026-03-01. Review status: criteria provided, single submitter. Criteria: CeGaT Center For Human Genetics Tuebingen Variant Classification Criteria Version 2. Collection method: clinical testing. Allele origin: germline. Affected: yes. Observed: 1 variant allele.
Comment: MYCN: PM2:Supporting, BP4, BP7